The following is an entry in ClinVar:

ClinVar aggregate classification (germline): Uncertain significance (1 of 4 stars; one submission).

Conditions:
Xanthinuria type II. Also called: Xanthine dehydrogenase and aldehyde oxidase combined deficiency of; XDH and AOX dual deficiency. Identifiers: Orphanet 3467, Orphanet 93602, MedGen C1863688, MONDO:0011346, OMIM 603592.

gnomAD v4.1: 5 of 1,265,586 alleles (0.0004%); highest among the groups gnomAD compares: Middle Eastern, 0.021%; no homozygotes.

Submission:

Labcorp Genetics (formerly Invitae), Labcorp
Classification: Uncertain significance for Xanthinuria type II. Last evaluated: 2025-11-12. Review status: criteria provided, single submitter. Criteria: Invitae Variant Classification Sherloc (09022015). Collection method: clinical testing. Allele origin: germline.
Comment: This sequence change replaces glycine, which is neutral and non-polar, with arginine, which is basic and polar, at codon 48 of the MOCOS protein (p.Gly48Arg). This variant also falls at the last nucleotide of exon 1, which is part of the consensus splice site for this exon. This variant is not present in population databases (gnomAD no frequency). This variant has not been reported in the literature in individuals affected with MOCOS-related conditions. An algorithm developed to predict the effect of missense changes on protein structure and function (PolyPhen-2) suggests that this variant is likely to be disruptive. Variants that disrupt the consensus splice site are a relatively common cause of aberrant splicing (PMID: 17576681, 9536098). Algorithms developed to predict the effect of sequence changes on RNA splicing suggest that this variant may disrupt the consensus splice site. In summary, the available evidence is currently insufficient to determine the role of this variant in disease. Therefore, it has been classified as a Variant of Uncertain Significance.

Literature cited by the submitters: PubMed 17576681; PubMed 9536098.

NM_017947.4(MOCOS):c.142G>A (p.Gly48Arg)

Gene: MOCOS (molybdenum cofactor sulfurase; plus strand). Cytogenetic location: 18q12.2.
Variant type: single nucleotide variant.
Coding change: c.142G>A on transcript NM_017947.4 (MANE Select); coding-DNA position 142, G replaced by A.
Protein change: p.Gly48Arg; replaces glycine 48 with arginine.
Molecular consequence: missense variant.
Genome position (GRCh38, 1-based): chr18:36,187,681, G>A. VCF-style: chr18-36187681-G-A. GRCh37 (hg19) VCF-style: chr18-33767644-G-A.
Other names: short protein forms G48R.
Identifiers: ClinVar variation 4707487 (VCV004707487.1).
Genomic context (GRCh38, chr18:36,187,681, plus strand): 5'-TACGGCTACGGCCCGGGCAGCCTGCGCGAGCTGCGGGCGCGCGAGTTCAGCCGCCTGGCA[G>A]GTGAGGCGGGCGGGCAGGCTTGGGGGACACGAGGTTTCTGGAACCGACGTGGACGGATCT-3'
Protein context (NP_060417.4, residues 38-58): LRAREFSRLA[Gly48Arg]TVYLDHAGAT